The following is an entry in ClinVar:

NM_001379200.1(TBX1):c.1296C>T (p.Tyr432=)

Gene: TBX1 (T-box transcription factor 1; plus strand). Cytogenetic location: 22q11.21.
Variant type: single nucleotide variant.
Coding change: c.1296C>T on transcript NM_001379200.1 (MANE Select); coding-DNA position 1296, C replaced by T.
Protein change: p.Tyr432=; no amino-acid change (tyrosine 432 retained).
Molecular consequence: synonymous variant. On other transcripts: intron variant (2).
Genome position (GRCh38, 1-based): chr22:19,766,648, C>T. VCF-style: chr22-19766648-C-T. GRCh37 (hg19) VCF-style: chr22-19754171-C-T.
Other names: c.1269C>T, p.Tyr423= (NM_080647.1); c.1009+646C>T (NM_005992.1, NM_080646.2).
Identifiers: ClinVar variation 2746954 (VCV002746954.4), dbSNP rs1466435688, ClinGen allele CA513687304.

ClinVar aggregate classification (germline): Likely benign. Review status: criteria provided, multiple submitters, no conflicts (2 of 4 stars). 2 submissions from 2 submitters: Likely benign (2). Last evaluated 2026-01-25.

Conditions:
TBX1-related disorder. Also called: TBX1-Related Disorders; TBX1-related condition.
DiGeorge syndrome. Also called: THIRD AND FOURTH PHARYNGEAL POUCH SYNDROME; Catch22. Identifiers: Orphanet 567, MedGen C0012236, MONDO:0008564, OMIM 188400.

Allele frequency attached by ClinVar (database versions not stated): gnomAD exomes below 0.00001; gnomAD 0.00001; TOPMed 0.00001.
gnomAD v4.1: 4 of 1,554,214 alleles (0.00026%); highest among the groups gnomAD compares: Admixed American, 0.0036%; no homozygotes.

Submissions (2):

PreventionGenetics, part of Exact Sciences
Classification: Likely benign for TBX1-related condition. Last evaluated: 2026-01-25. Review status: criteria provided, single submitter. Criteria: ACMG Guidelines, 2015. Collection method: clinical testing. Allele origin: germline.
Comment: This variant is classified as likely benign based on ACMG/AMP sequence variant interpretation guidelines (Richards et al. 2015 PMID: 25741868, with internal and published modifications).

Labcorp Genetics (formerly Invitae), Labcorp
Classification: Likely benign for DiGeorge syndrome. Last evaluated: 2023-03-02. Review status: criteria provided, single submitter. Criteria: Invitae Variant Classification Sherloc (09022015). Collection method: clinical testing. Allele origin: germline.